The following is an entry in ClinVar:

NM_015213.4(DENND5A):c.659G>A (p.Arg220Gln)

Gene: DENND5A (DENN domain containing 5A; minus strand). Cytogenetic location: 11p15.4.
Variant type: single nucleotide variant.
Coding change: c.659G>A on transcript NM_015213.4 (MANE Select); coding-DNA position 659, G replaced by A.
Protein change: p.Arg220Gln; replaces arginine 220 with glutamine.
Molecular consequence: missense variant. On other transcripts: non-coding transcript variant (1).
Genome position (GRCh38, 1-based): chr11:9,203,950, C>T on the plus strand (G>A on the coding strand, the complement: DENND5A is on the minus strand). VCF-style: chr11-9203950-C-T. GRCh37 (hg19) VCF-style: chr11-9225497-C-T.
Other names: c.587G>A, p.Arg196Gln (NM_001348749.2); c.371G>A, p.Arg124Gln (NM_001348750.2); c.659G>A, p.Arg220Gln (NM_001243254.2, NM_001348748.1); short protein forms R124Q, R196Q, R220Q.
Identifiers: ClinVar variation 2082901 (VCV002082901.3), dbSNP rs145978537, ClinGen allele CA5877777.
Genomic context (GRCh38, chr11:9,203,950, plus strand): 5'-AGGGGCAGTGGAGGGGGCTGAGGTGAAGTGACTGCCTGGTGGAGTTGCTCCAGCACGCTC[C>T]GACATGCCTTCATGAAAGACATGGGTGTGATGAGGCAGATGCACTTAGAGACGTAGAGAG-3'
Protein context (NP_056028.2, residues 210-230): ITPMSFMKAC[Arg220Gln]SVLEQLHQAV

ClinVar aggregate classification (germline): Uncertain significance. Review status: criteria provided, multiple submitters, no conflicts (2 of 4 stars). 2 submissions from 2 submitters: Uncertain significance (2). Last evaluated 2025-08-28.

Conditions:
Inborn genetic diseases. Identifiers: MedGen C0950123, MeSH D030342.

Allele frequency attached by ClinVar (database versions not stated): ExAC 0.00003; gnomAD 0.00003; gnomAD exomes 0.00003; TOPMed 0.00003; ESP Exome Variant Server 0.00008.
gnomAD v4.1: 41 of 1,613,928 alleles (0.0025%); highest among the groups gnomAD compares: South Asian, 0.0033%; no homozygotes.

Submissions (2):

Ambry Genetics
Classification: Uncertain significance for Inborn genetic diseases. Last evaluated: 2025-08-28. Review status: criteria provided, single submitter. Criteria: Ambry Variant Classification Scheme 2023. Collection method: clinical testing. Allele origin: germline.

Labcorp Genetics (formerly Invitae), Labcorp
Classification: Uncertain significance. Last evaluated: 2022-10-17. Review status: criteria provided, single submitter. Criteria: Invitae Variant Classification Sherloc (09022015). Collection method: clinical testing. Allele origin: germline.
Comment: This sequence change replaces arginine, which is basic and polar, with glutamine, which is neutral and polar, at codon 220 of the DENND5A protein (p.Arg220Gln). This variant is present in population databases (rs145978537, gnomAD 0.01%). This variant has not been reported in the literature in individuals affected with DENND5A-related conditions. Advanced modeling of protein sequence and biophysical properties (such as structural, functional, and spatial information, amino acid conservation, physicochemical variation, residue mobility, and thermodynamic stability) performed at Invitae indicates that this missense variant is not expected to disrupt DENND5A protein function. In summary, the available evidence is currently insufficient to determine the role of this variant in disease. Therefore, it has been classified as a Variant of Uncertain Significance.